The following is an entry in ClinVar:

ClinVar aggregate classification (germline): Likely benign. Review status: criteria provided, multiple submitters, no conflicts (2 of 4 stars). 3 submissions from 3 submitters: Likely benign (3). Last evaluated 2024-12-16.

Conditions:
Hereditary cancer-predisposing syndrome. Also called: Neoplastic Syndromes, Hereditary; Hereditary Cancer Syndrome; Hereditary neoplastic syndrome; Tumor predisposition. Identifiers: Orphanet 140162, MedGen C0027672, MeSH D009386, MONDO:0015356.
Hereditary leiomyomatosis and renal cell cancer. Also called: Familial leiomyomatosis; Reed syndrome; Multiple cutaneous and uterine leiomyomatosis; Cutaneous leiomyomata with uterine leiomyomata; Leiomyoma, hereditary multiple, of skin; Multiple cutaneous and uterine leiomyomata. Identifiers: Orphanet 523, MedGen C1708350, MONDO:0007888, OMIM 150800, HP:0007437. Disease mechanism: loss of function.

Submissions (3):

Ambry Genetics
Classification: Likely benign for Hereditary cancer-predisposing syndrome. Last evaluated: 2024-12-16. Review status: criteria provided, single submitter. Criteria: Ambry Variant Classification Scheme 2023. Collection method: clinical testing. Allele origin: germline.

Myriad Genetics, Inc.
Classification: Likely benign for Hereditary leiomyomatosis and renal cell cancer. Last evaluated: 2024-10-21. Review status: criteria provided, single submitter. Criteria: Myriad Autosomal Dominant, Autosomal Recessive and X-Linked Classification Criteria (2023). Collection method: clinical testing. Allele origin: unknown.
Comment: This variant is considered likely benign. This variant is intronic and is not expected to impact mRNA splicing.

Labcorp Genetics (formerly Invitae), Labcorp
Classification: Likely benign. Last evaluated: 2024-02-03. Review status: criteria provided, single submitter. Criteria: Invitae Variant Classification Sherloc (09022015). Collection method: clinical testing. Allele origin: germline.

NM_000143.4(FH):c.1237-15CTCA[2]

Gene: FH (fumarate hydratase; minus strand). Cytogenetic location: 1q43.
Variant type: Microsatellite.
Coding change: c.1237-15CTCA[2] on transcript NM_000143.4 (MANE Select); two copies in a row of the 4-base unit CTCA starting at c.1237-15; the reference has three copies in a row; one copy, 4 bases deleted.
Molecular consequence: intron variant.
Genome position (GRCh38, 1-based): chr1:241,500,594-241,500,597, TGAG deleted on the plus strand (CTCA on the coding strand, the reverse complement: FH is on the minus strand); deleting any 4 consecutive bases within chr1:241,500,594-241,500,605 gives the same sequence; the position shown is the placement nearest the transcript's 3' end. VCF-style (leftmost placement, unchanged base first): chr1-241500593-TTGAG-T. GRCh37 (hg19) VCF-style: chr1-241663893-TTGAG-T.
Other names: c.1237-7_1237-4del (NM_000143.3).
Identifiers: ClinVar variation 756599 (VCV000756599.13), dbSNP rs750898743, ClinGen allele CA1478488.